The following is an entry in ClinVar:

NM_052947.4(ALPK2):c.2237C>A (p.Ala746Asp)

Gene: ALPK2 (alpha kinase 2; minus strand). Cytogenetic location: 18q21.31.
Variant type: single nucleotide variant.
Coding change: c.2237C>A on transcript NM_052947.4 (MANE Select); coding-DNA position 2237, C replaced by A.
Protein change: p.Ala746Asp; replaces alanine 746 with aspartic acid.
Molecular consequence: missense variant.
Genome position (GRCh38, 1-based): chr18:58,537,950, G>T on the plus strand (C>A on the coding strand, the complement: ALPK2 is on the minus strand). VCF-style: chr18-58537950-G-T. GRCh37 (hg19) VCF-style: chr18-56205182-G-T.
Other names: short protein forms A746D.
Identifiers: ClinVar variation 3529251 (VCV003529251.1).

ClinVar aggregate classification (germline): Uncertain significance (1 of 4 stars; one submission).

gnomAD v4.1: 1 of 1,614,174 alleles (0.000062%); highest among the groups gnomAD compares: Non-Finnish European, 0.000085%; no homozygotes.

Submission:

Ambry Genetics
Classification: Uncertain significance. Last evaluated: 2024-10-06. Review status: criteria provided, single submitter. Criteria: Ambry Variant Classification Scheme 2023. Collection method: clinical testing. Allele origin: germline.
Comment: The p.A746D variant (also known as c.2237C>A), located in coding exon 4 of the ALPK2 gene, results from a C to A substitution at nucleotide position 2237. The alanine at codon 746 is replaced by aspartic acid, an amino acid with dissimilar properties. This amino acid position is conserved. In addition, this alteration is predicted to be tolerated by in silico analysis. Based on the available evidence, the clinical significance of this variant remains unclear.